The following is an entry in ClinVar:

NM_003239.5(TGFB3):c.1081-1G>A

Gene: TGFB3 (transforming growth factor beta 3; minus strand). Cytogenetic location: 14q24.3.
Variant type: single nucleotide variant.
Coding change: c.1081-1G>A on transcript NM_003239.5 (MANE Select); the canonical splice acceptor site of the intron before coding-DNA position 1081, G replaced by A.
Molecular consequence: splice acceptor variant.
Genome position (GRCh38, 1-based): chr14:75,959,346, C>T on the plus strand (G>A on the coding strand, the complement: TGFB3 is on the minus strand). VCF-style: chr14-75959346-C-T. GRCh37 (hg19) VCF-style: chr14-76425689-C-T.
Other names: c.1081-1G>A (NM_001329939.2).
Identifiers: ClinVar variation 2106087 (VCV002106087.4), dbSNP rs2504093853, ClinGen allele CA390467409.

ClinVar aggregate classification (germline): Likely pathogenic (1 of 4 stars; one submission).

Conditions:
Rienhoff syndrome. Also called: LOEYS-DIETZ SYNDROME 5. Identifiers: MedGen C3810012, MONDO:0014262, OMIM 615582.

Submission:

Labcorp Genetics (formerly Invitae), Labcorp
Classification: Likely pathogenic for Rienhoff syndrome. Last evaluated: 2022-07-13. Review status: criteria provided, single submitter. Criteria: Invitae Variant Classification Sherloc (09022015). Collection method: clinical testing. Allele origin: germline.
Comment: In summary, the currently available evidence indicates that the variant is pathogenic, but additional data are needed to prove that conclusively. Therefore, this variant has been classified as Likely Pathogenic. Variants that disrupt the consensus splice site are a relatively common cause of aberrant splicing (PMID: 17576681, 9536098). Algorithms developed to predict the effect of sequence changes on RNA splicing suggest that this variant may disrupt the consensus splice site. Disruption of this splice site has been observed in individuals with clinical features of Loeys-Dietz syndrome, with a mild presentation in heterozygosity and a more severe presentation in homozygosity (PMID: 31898322; Invitae). It has also been observed to segregate with disease in related individuals. This variant is not present in population databases (gnomAD no frequency). This sequence change affects an acceptor splice site in intron 6 of the TGFB3 gene. While this variant is not anticipated to result in nonsense mediated decay, it likely alters RNA splicing and results in a disrupted protein product.

Literature cited by the submitters: PubMed 17576681; PubMed 9536098; PubMed 31898322.